The following is an entry in ClinVar:

NM_004984.4(KIF5A):c.292-5G>A

Gene: KIF5A (kinesin family member 5A; plus strand). Cytogenetic location: 12q13.3.
Variant type: single nucleotide variant.
Coding change: c.292-5G>A on transcript NM_004984.4 (MANE Select); 5 bases into the intron before coding-DNA position 292, G replaced by A.
Molecular consequence: intron variant.
Genome position (GRCh38, 1-based): chr12:57,564,103, G>A. VCF-style: chr12-57564103-G-A. GRCh37 (hg19) VCF-style: chr12-57957886-G-A.
Other names: p.?; c.130-357G>A (NM_001354705.2).
Identifiers: ClinVar variation 309931 (VCV000309931.36), dbSNP rs201917057, ClinGen allele CA6652560.

ClinVar aggregate classification (germline): Benign/Likely benign. Review status: criteria provided, multiple submitters, no conflicts (2 of 4 stars). 7 submissions from 7 submitters: Benign (4); Likely benign (2). 1 of the submissions does not count toward it. Last evaluated 2026-01-19.

Conditions:
Spastic paraplegia. Identifiers: MedGen C0037772, HP:0001258.
Hereditary spastic paraplegia 10 (SPG10). Also called: SPASTIC PARAPLEGIA 10, AUTOSOMAL DOMINANT; SPASTIC PARAPLEGIA 10 WITH OR WITHOUT PERIPHERAL NEUROPATHY; SPASTIC PARAPLEGIA 10 WITH PERIPHERAL NEUROPATHY. Identifiers: Orphanet 100991, MedGen C1858712, MONDO:0011408, OMIM 604187.
KIF5A-related disorder. Also called: KIF5A-related disorders; KIF5A-related condition.
Hereditary spastic paraplegia. Also called: Familial spastic paraparesis. Identifiers: Orphanet 685, MedGen C0037773, MONDO:0019064. Disease mechanism: loss of function.

Allele frequency attached by ClinVar (database versions not stated): ESP Exome Variant Server 0.00008; gnomAD 0.00016; TOPMed 0.00023; 1000 Genomes Project 30x 0.00031; 1000 Genomes Project 0.00040; ExAC 0.00064.
gnomAD v4.1: 470 of 1,610,732 alleles (0.029%); highest among the groups gnomAD compares: South Asian, 0.43%; 3 homozygotes.

Submissions (7):

Labcorp Genetics (formerly Invitae), Labcorp
Classification: Benign for Spastic paraplegia. Last evaluated: 2026-01-19. Review status: criteria provided, single submitter. Criteria: Invitae Variant Classification Sherloc (09022015). Collection method: clinical testing. Allele origin: germline.

CeGaT Center for Human Genetics Tuebingen
Classification: Likely benign. Last evaluated: 2025-03-01. Review status: criteria provided, single submitter. Criteria: CeGaT Center For Human Genetics Tuebingen Variant Classification Criteria Version 2. Collection method: clinical testing. Allele origin: germline. Affected: yes. Observed: 3 variant alleles.
Comment: KIF5A: BP4, BS2

Blueprint Genetics
Classification: Likely benign. Last evaluated: 2024-11-11. Review status: criteria provided, single submitter. Criteria: ACMG Guidelines, 2015. Collection method: clinical testing. Allele origin: germline.

Mayo Clinic Laboratories, Mayo Clinic
Classification: Benign. Last evaluated: 2023-06-05. Review status: criteria provided, single submitter. Criteria: ACMG Guidelines, 2015. Collection method: clinical testing. Allele origin: germline. Observed: 2 variant alleles.
Comment: BS1, BS2, BP4, BP7

Genome Diagnostics Laboratory, The Hospital for Sick Children
Classification: Benign for Hereditary spastic paraplegia. Last evaluated: 2021-05-14. Review status: criteria provided, single submitter. Criteria: ACMG Guidelines, 2015. Collection method: clinical testing. Allele origin: germline. Affected: yes.

Illumina Laboratory Services, Illumina
Classification: Benign for Hereditary spastic paraplegia 10. Last evaluated: 2018-01-13. Review status: criteria provided, single submitter. Criteria: ICSL Variant Classification Criteria 13 December 2019. Collection method: clinical testing. Allele origin: germline.
Comment: This variant was observed in the ICSL laboratory as part of a predisposition screen in an ostensibly healthy population. It had not been previously curated by ICSL or reported in the Human Gene Mutation Database (HGMD: prior to June 1st, 2018), and was therefore a candidate for classification through an automated scoring system. Utilizing variant allele frequency, disease prevalence and penetrance estimates, and inheritance mode, an automated score was calculated to assess if this variant is too frequent to cause the disease. Based on the score and internal cut-off values, a variant classified as benign is not then subjected to further curation. The score for this variant resulted in a classification of benign for this disease.

PreventionGenetics, part of Exact Sciences
Classification: Benign for KIF5A-related condition. Last evaluated: 2024-01-04. Review status: no assertion criteria provided. Collection method: clinical testing. Allele origin: germline. Not counted in ClinVar's aggregate classification.
Comment: This variant is classified as benign based on ACMG/AMP sequence variant interpretation guidelines (Richards et al. 2015 PMID: 25741868, with internal and published modifications).